The following is an entry in ClinVar:

NM_004336.5(BUB1):c.2837A>G (p.Asp946Gly)

Gene: BUB1 (BUB1 mitotic checkpoint serine/threonine kinase; minus strand). Cytogenetic location: 2q13.
Variant type: single nucleotide variant.
Coding change: c.2837A>G on transcript NM_004336.5 (MANE Select); coding-DNA position 2837, A replaced by G.
Protein change: p.Asp946Gly; replaces aspartic acid 946 with glycine.
Molecular consequence: missense variant.
Genome position (GRCh38, 1-based): chr2:110,641,152, T>C on the plus strand (A>G on the coding strand, the complement: BUB1 is on the minus strand). VCF-style: chr2-110641152-T-C. GRCh37 (hg19) VCF-style: chr2-111398729-T-C.
Other names: c.2777A>G, p.Asp926Gly (NM_001278616.2); c.2666A>G, p.Asp889Gly (NM_001278617.2); short protein forms D926G, D946G, D889G.
Identifiers: ClinVar variation 1796653 (VCV001796653.3), dbSNP rs994488344, ClinGen allele CA53522051.

ClinVar aggregate classification (germline): Uncertain significance (1 of 4 stars; one submission).

Submission:

Ambry Genetics
Classification: Uncertain significance. Last evaluated: 2024-10-15. Review status: criteria provided, single submitter. Criteria: Ambry Variant Classification Scheme 2023. Collection method: clinical testing. Allele origin: germline.
Comment: The p.D946G variant (also known as c.2837A>G), located in coding exon 23 of the BUB1 gene, results from an A to G substitution at nucleotide position 2837. The aspartic acid at codon 946 is replaced by glycine, an amino acid with similar properties. This amino acid position is conserved. In addition, this alteration is predicted to be deleterious by in silico analysis. Since supporting evidence is limited at this time, the clinical significance of this alteration remains unclear.